The following is an entry in ClinVar:

ClinVar aggregate classification (germline): Uncertain significance. Review status: criteria provided, multiple submitters, no conflicts (2 of 4 stars). 2 submissions from 2 submitters: Uncertain significance (2). Last evaluated 2026-01-05.

Conditions:
Developmental and epileptic encephalopathy, 54. Also called: Epileptic encephalopathy, early infantile, 54; HNRNPU-Related Neurodevelopmental Disorder. Identifiers: MedGen C4479319, MONDO:0033363, OMIM 617391.

Submissions (2):

Dasa
Classification: Uncertain significance. Last evaluated: 2026-01-05. Review status: criteria provided, single submitter. Criteria: DASA Assertion Criteria. Collection method: clinical testing. Allele origin: germline.
Comment: NM_031844.3(HNRNPU):c.2086G>A (p.Gly696Ser) is a missense variant that results in the substitution of glycine with serine. This variant is rare in population databases. Computational prediction algorithms are consistent with a benign effect. The currently available literature and clinical evidence are not sufficient to establish a definitive association between this variant and the reported condition. Therefore, this variant is classified as a variant of uncertain significance.

Labcorp Genetics (formerly Invitae), Labcorp
Classification: Uncertain significance for Developmental and epileptic encephalopathy, 54. Last evaluated: 2024-04-15. Review status: criteria provided, single submitter. Criteria: Invitae Variant Classification Sherloc (09022015). Collection method: clinical testing. Allele origin: germline.
Comment: This sequence change replaces glycine, which is neutral and non-polar, with serine, which is neutral and polar, at codon 696 of the HNRNPU protein (p.Gly696Ser). This variant is not present in population databases (gnomAD no frequency). This variant has not been reported in the literature in individuals affected with HNRNPU-related conditions. ClinVar contains an entry for this variant (Variation ID: 2019492). Advanced modeling of protein sequence and biophysical properties (such as structural, functional, and spatial information, amino acid conservation, physicochemical variation, residue mobility, and thermodynamic stability) performed at Invitae indicates that this missense variant is not expected to disrupt HNRNPU protein function with a negative predictive value of 80%. In summary, the available evidence is currently insufficient to determine the role of this variant in disease. Therefore, it has been classified as a Variant of Uncertain Significance.

NM_031844.3(HNRNPU):c.2086G>A (p.Gly696Ser)

Gene: HNRNPU (heterogeneous nuclear ribonucleoprotein U; minus strand). Cytogenetic location: 1q44.
Variant type: single nucleotide variant.
Coding change: c.2086G>A on transcript NM_031844.3 (MANE Select); coding-DNA position 2086, G replaced by A.
Protein change: p.Gly696Ser; replaces glycine 696 with serine.
Molecular consequence: missense variant.
Genome position (GRCh38, 1-based): chr1:244,855,985, C>T on the plus strand (G>A on the coding strand, the complement: HNRNPU is on the minus strand). VCF-style: chr1-244855985-C-T. GRCh37 (hg19) VCF-style: chr1-245019287-C-T.
Other names: c.2029G>A, p.Gly677Ser (NM_004501.3); short protein forms G677S, G696S.
Identifiers: ClinVar variation 2019492 (VCV002019492.6), dbSNP rs1162778999, ClinGen allele CA345487944.